The following is an entry in ClinVar:

ClinVar aggregate classification (germline): Conflicting classifications of pathogenicity. Review status: criteria provided, conflicting classifications (1 of 4 stars). 6 submissions from 6 submitters: Uncertain significance (4); Likely benign (2). Last evaluated 2026-08-24.

Conditions:
LRP5-related disorder. Also called: LRP5-related condition.
Bone mineral density quantitative trait locus 1 (BMND1). Identifiers: MedGen C1866079, OMIM 601884.
Worth disease. Also called: ENDOSTEAL HYPEROSTOSIS, AUTOSOMAL DOMINANT; OSTEOSCLEROSIS, AUTOSOMAL DOMINANT; Autosomal dominant osteosclerosis, Worth type. Identifiers: Orphanet 2790, MedGen C0432273, MONDO:0007764, OMIM 144750.
Polycystic liver disease 4 with or without kidney cysts. Identifiers: MedGen C4693479, MONDO:0044327, OMIM 617875.
Exudative vitreoretinopathy 4 (EVR4). Identifiers: Orphanet 891, MedGen C1866176, MONDO:0011151, OMIM 601813.
Osteoporosis with pseudoglioma (OPPG). Also called: osteoporosis-pseudoglioma syndrome. Identifiers: Orphanet 2788, MedGen C0432252, MONDO:0009820, OMIM 259770.
Autosomal dominant osteopetrosis 1 (OPTA1). Also called: OSTEOPETROSIS, AUTOSOMAL DOMINANT, TYPE I. Identifiers: Orphanet 2783, MedGen C1843330, MONDO:0011877, OMIM 607634.

Allele frequency attached by ClinVar (database versions not stated): gnomAD exomes 0.00006 and 0.00010; gnomAD 0.00009 and 0.00010; TOPMed 0.00009; ESP Exome Variant Server 0.00015; ExAC 0.00016; 1000 Genomes Project 0.00040; 1000 Genomes Project 30x 0.00047.
gnomAD v4.1: 105 of 1,614,202 alleles (0.0065%); highest among the groups gnomAD compares: African/African-American, 0.016%; no homozygotes.

Submissions (6):

PreventionGenetics, part of Exact Sciences
Classification: Uncertain significance for LRP5-related condition. Last evaluated: 2026-08-24. Review status: criteria provided, single submitter. Criteria: ACMG Guidelines, 2015. Collection method: clinical testing. Allele origin: germline.
Comment: The LRP5 c.1496A>G variant is predicted to result in the amino acid substitution p.Asn499Ser. To our knowledge, this variant has not been reported in the literature. This variant is present in 0.028% of alleles in individuals of African descent in gnomAD. At this time, the clinical significance of this variant is uncertain due to the absence of conclusive functional and genetic evidence.

GeneDx
Classification: Uncertain significance. Last evaluated: 2026-02-19. Review status: criteria provided, single submitter. Criteria: GeneDx Variant Classification Process June 2021. Collection method: clinical testing. Allele origin: germline.
Comment: In silico analysis suggests that this missense variant does not alter protein structure/function; Has not been previously published as pathogenic or benign to our knowledge

Labcorp Genetics (formerly Invitae), Labcorp
Classification: Likely benign. Last evaluated: 2025-11-27. Review status: criteria provided, single submitter. Criteria: Invitae Variant Classification Sherloc (09022015). Collection method: clinical testing. Allele origin: germline.

Blueprint Genetics
Classification: Uncertain significance. Last evaluated: 2024-07-03. Review status: criteria provided, single submitter. Criteria: ACMG Guidelines, 2015. Collection method: clinical testing. Allele origin: germline.

Fulgent Genetics
Classification: Uncertain significance for Worth disease; Osteoporosis with pseudoglioma; Exudative vitreoretinopathy 4; Bone mineral density quantitative trait locus 1; Autosomal dominant osteopetrosis 1; Polycystic liver disease 4 with or without kidney cysts. Last evaluated: 2024-04-25. Review status: criteria provided, single submitter. Criteria: ACMG Guidelines, 2015. Collection method: clinical testing. Allele origin: germline.

Breakthrough Genomics
Classification: Likely benign. Review status: criteria provided, single submitter. Criteria: ACMG Guidelines, 2015. Collection method: not provided. Allele origin: germline. Inheritance: Autosomal recessive inheritance. Affected: yes.

NM_002335.4(LRP5):c.1496A>G (p.Asn499Ser)

Gene: LRP5 (LDL receptor related protein 5; plus strand). Cytogenetic location: 11q13.2.
Variant type: single nucleotide variant.
Coding change: c.1496A>G on transcript NM_002335.4 (MANE Select); coding-DNA position 1496, A replaced by G.
Protein change: p.Asn499Ser; replaces asparagine 499 with serine.
Molecular consequence: missense variant. On other transcripts: intron variant (1).
Genome position (GRCh38, 1-based): chr11:68,389,964, A>G. VCF-style: chr11-68389964-A-G. GRCh37 (hg19) VCF-style: chr11-68157432-A-G.
Other names: c.1496A>G (NM_002335.2, NM_002335.3); c.-354+3252A>G (NM_001291902.2); short protein forms N499S.
Identifiers: ClinVar variation 1644374 (VCV001644374.14), dbSNP rs150771999, ClinGen allele CA6149350.